The following is an entry in ClinVar:

ClinVar aggregate classification (germline): Uncertain significance. Review status: criteria provided, multiple submitters, no conflicts (2 of 4 stars). 2 submissions from 2 submitters: Uncertain significance (2). Last evaluated 2024-01-29.

Allele frequency attached by ClinVar (database versions not stated): gnomAD 0.00001; gnomAD exomes 0.00001; ExAC 0.00002.
gnomAD v4.1: 12 of 1,613,726 alleles (0.00074%); highest among the groups gnomAD compares: Middle Eastern, 0.082%; no homozygotes.

Submissions (2):

Blueprint Genetics
Classification: Uncertain significance. Last evaluated: 2024-01-29. Review status: criteria provided, single submitter. Criteria: ACMG Guidelines, 2015. Collection method: clinical testing. Allele origin: germline.

Labcorp Genetics (formerly Invitae), Labcorp
Classification: Uncertain significance. Last evaluated: 2022-08-11. Review status: criteria provided, single submitter. Criteria: Invitae Variant Classification Sherloc (09022015). Collection method: clinical testing. Allele origin: germline.
Comment: This sequence change replaces tyrosine, which is neutral and polar, with aspartic acid, which is acidic and polar, at codon 299 of the PCARE protein (p.Tyr299Asp). This variant is present in population databases (rs760926937, gnomAD 0.002%). This variant has not been reported in the literature in individuals affected with PCARE-related conditions. ClinVar contains an entry for this variant (Variation ID: 1465524). Algorithms developed to predict the effect of missense changes on protein structure and function are either unavailable or do not agree on the potential impact of this missense change (SIFT: "Deleterious"; PolyPhen-2: "Probably Damaging"; Align-GVGD: "Class C15"). In summary, the available evidence is currently insufficient to determine the role of this variant in disease. Therefore, it has been classified as a Variant of Uncertain Significance.

NM_001029883.3(PCARE):c.895T>G (p.Tyr299Asp)

Gene: PCARE (photoreceptor cilium actin regulator; minus strand). Cytogenetic location: 2p23.2.
Variant type: single nucleotide variant.
Coding change: c.895T>G on transcript NM_001029883.3 (MANE Select); coding-DNA position 895, T replaced by G.
Protein change: p.Tyr299Asp; replaces tyrosine 299 with aspartic acid.
Molecular consequence: missense variant.
Genome position (GRCh38, 1-based): chr2:29,073,367, A>C on the plus strand (T>G on the coding strand, the complement: PCARE is on the minus strand). VCF-style: chr2-29073367-A-C. GRCh37 (hg19) VCF-style: chr2-29296233-A-C.
Other names: short protein forms Y299D.
Identifiers: ClinVar variation 1465524 (VCV001465524.4), dbSNP rs760926937, ClinGen allele CA1592544.
Genomic context (GRCh38, chr2:29,073,367, plus strand): 5'-CATCCACATTCCTTTTTGTGCTCAGCTTATTTTCCAAGTGGGTTGCAGTGGAGTGGAGGT[A>C]GCTGCTGGAGCCCTCCAGGAAGCTGCCGGTGAGCGAGGCCACTGTGCCATTGAGCACCTG-3'
Protein context (NP_001025054.1, residues 289-309): TGSFLEGSSS[Tyr299Asp]LHSTATHLEN